The following is an entry in ClinVar:

NM_004360.5(CDH1):c.1350C>T (p.Tyr450=)

Gene: CDH1 (cadherin 1; plus strand). Cytogenetic location: 16q22.1.
Variant type: single nucleotide variant.
Coding change: c.1350C>T on transcript NM_004360.5 (MANE Select); coding-DNA position 1350, C replaced by T.
Protein change: p.Tyr450=; no amino-acid change (tyrosine 450 retained).
Molecular consequence: synonymous variant. On other transcripts: 5 prime UTR variant (2).
Genome position (GRCh38, 1-based): chr16:68,815,544, C>T. VCF-style: chr16-68815544-C-T. GRCh37 (hg19) VCF-style: chr16-68849447-C-T.
Other names: c.1167C>T, p.Tyr389= (NM_001317184.2); c.-199C>T (NM_001317185.2); c.-470C>T (NM_001317186.2).
Identifiers: ClinVar variation 1940632 (VCV001940632.13), dbSNP rs2152134724, ClinGen allele CA496153926.

ClinVar aggregate classification (germline): Benign/Likely benign. Review status: criteria provided, multiple submitters, no conflicts (2 of 4 stars). 3 submissions from 3 submitters: Benign (1); Likely benign (2). Last evaluated 2025-09-01.

Conditions:
Hereditary diffuse gastric adenocarcinoma (HDGC). Also called: DIFFUSE GASTRIC AND LOBULAR BREAST CANCER SYNDROME. Identifiers: Orphanet 26106, MedGen C1708349, MONDO:0007648, OMIM 137215.

Submissions (3):

CeGaT Center for Human Genetics Tuebingen
Classification: Likely benign. Last evaluated: 2025-09-01. Review status: criteria provided, single submitter. Criteria: CeGaT Center For Human Genetics Tuebingen Variant Classification Criteria Version 2. Collection method: clinical testing. Allele origin: germline. Affected: yes. Observed: 1 variant allele.
Comment: CDH1: PM2:Supporting, BP4, BP7

Myriad Genetics, Inc.
Classification: Benign for Hereditary diffuse gastric adenocarcinoma. Last evaluated: 2024-09-18. Review status: criteria provided, single submitter. Criteria: Myriad Autosomal Dominant, Autosomal Recessive and X-Linked Classification Criteria (2023). Collection method: clinical testing. Allele origin: unknown.
Comment: This variant is considered benign. This variant is a silent/synonymous amino acid change and it is not expected to impact splicing.

Labcorp Genetics (formerly Invitae), Labcorp
Classification: Likely benign for Hereditary diffuse gastric adenocarcinoma. Last evaluated: 2024-03-15. Review status: criteria provided, single submitter. Criteria: Invitae Variant Classification Sherloc (09022015). Collection method: clinical testing. Allele origin: germline.